The following is an entry in ClinVar:

ClinVar aggregate classification (germline): Uncertain significance. Review status: criteria provided, multiple submitters, no conflicts (2 of 4 stars). 5 submissions from 5 submitters: Uncertain significance (5). Last evaluated 2026-07-27.

Conditions:
COL9A3-related disorder. Also called: COL9A3-related condition.
Inborn genetic diseases. Identifiers: MedGen C0950123, MeSH D030342.

Allele frequency attached by ClinVar (database versions not stated): gnomAD 0.00004 and 0.00005; TOPMed 0.00005; gnomAD exomes 0.00006; ExAC 0.00011; ESP Exome Variant Server 0.00016.
gnomAD v4.1: 129 of 1,604,630 alleles (0.008%); highest among the groups gnomAD compares: Non-Finnish European, 0.0099%; no homozygotes.

Submissions (5):

PreventionGenetics, part of Exact Sciences
Classification: Uncertain significance for COL9A3-related condition. Last evaluated: 2026-07-27. Review status: criteria provided, single submitter. Criteria: ACMG Guidelines, 2015. Collection method: clinical testing. Allele origin: germline.
Comment: The COL9A3 c.1007C>T variant is predicted to result in the amino acid substitution p.Pro336Leu. To our knowledge, this variant has not been reported in the literature. This variant is reported in 0.010% of alleles in individuals of European (Non-Finnish) descent in gnomAD. In gnomAD v4 (available only on GRCh38), this variant is reported in 129 alleles globally, which is likely too common for a highly penetrant pathogenic variant in autosomal dominant disorder. At this time, the clinical significance of this variant is uncertain due to the absence of conclusive functional and genetic evidence.

Labcorp Genetics (formerly Invitae), Labcorp
Classification: Uncertain significance. Last evaluated: 2026-02-01. Review status: criteria provided, single submitter. Criteria: Invitae Variant Classification Sherloc (09022015). Collection method: clinical testing. Allele origin: germline.
Comment: This sequence change replaces proline, which is neutral and non-polar, with leucine, which is neutral and non-polar, at codon 336 of the COL9A3 protein (p.Pro336Leu). This variant is present in population databases (rs200305586, gnomAD 0.01%). This variant has not been reported in the literature in individuals affected with COL9A3-related conditions. ClinVar contains an entry for this variant (Variation ID: 1209182). An algorithm developed to predict the effect of missense changes on protein structure and function (PolyPhen-2) suggests that this variant is likely to be disruptive. In summary, the available evidence is currently insufficient to determine the role of this variant in disease. Therefore, it has been classified as a Variant of Uncertain Significance.

Blueprint Genetics
Classification: Uncertain significance. Last evaluated: 2024-08-08. Review status: criteria provided, single submitter. Criteria: ACMG Guidelines, 2015. Collection method: clinical testing. Allele origin: germline.

GeneDx
Classification: Uncertain significance. Last evaluated: 2024-05-22. Review status: criteria provided, single submitter. Criteria: GeneDx Variant Classification Process June 2021. Collection method: clinical testing. Allele origin: germline. Affected: yes.
Comment: Has not been previously published as pathogenic or benign to our knowledge; In silico analysis supports that this missense variant has a deleterious effect on protein structure/function

Ambry Genetics
Classification: Uncertain significance for Inborn genetic diseases. Last evaluated: 2022-03-16. Review status: criteria provided, single submitter. Criteria: Ambry Variant Classification Scheme 2023. Collection method: clinical testing. Allele origin: germline.

NM_001853.4(COL9A3):c.1007C>T (p.Pro336Leu)

Gene: COL9A3 (collagen type IX alpha 3 chain; plus strand). Cytogenetic location: 20q13.33.
Variant type: single nucleotide variant.
Coding change: c.1007C>T on transcript NM_001853.4 (MANE Select); coding-DNA position 1007, C replaced by T.
Protein change: p.Pro336Leu; replaces proline 336 with leucine.
Molecular consequence: missense variant.
Genome position (GRCh38, 1-based): chr20:62,828,975, C>T. VCF-style: chr20-62828975-C-T. GRCh37 (hg19) VCF-style: chr20-61460327-C-T.
Other names: short protein forms P336L.
Identifiers: ClinVar variation 1209182 (VCV001209182.16), dbSNP rs200305586, ClinGen allele CA9949654.